The following is an entry in ClinVar:

ClinVar aggregate classification (germline): Uncertain significance. Review status: criteria provided, multiple submitters, no conflicts (2 of 4 stars). 2 submissions from 2 submitters: Uncertain significance (2). Last evaluated 2025-11-08.

Conditions:
Developmental and epileptic encephalopathy, 27 (DEE27). Also called: GRIN2B-Related Neurodevelopmental Disorder; Epileptic encephalopathy, early infantile, 27. Identifiers: Orphanet 3451, MedGen C4015316, MONDO:0014505, OMIM 616139.
Intellectual developmental disorder, autosomal dominant 6, with or without seizures. Also called: Intellectual disability, autosomal dominant 6; GRIN2B-related developmental delay, intellectual disability and autism spectrum disorder. Identifiers: Orphanet 589547, MedGen C3151411, MONDO:0013509, OMIM 613970.
Inborn genetic diseases. Identifiers: MedGen C0950123, MeSH D030342.

Allele frequency attached by ClinVar (database versions not stated): gnomAD exomes below 0.00001.
gnomAD v4.1: 5 of 1,614,074 alleles (0.00031%); highest among the groups gnomAD compares: African/African-American, 0.0027%; no homozygotes.

Submissions (2):

Ambry Genetics
Classification: Uncertain significance for Inborn genetic diseases. Last evaluated: 2025-11-08. Review status: criteria provided, single submitter. Criteria: Ambry Variant Classification Scheme 2023. Collection method: clinical testing. Allele origin: germline.
Comment: The c.2761G>A (p.A921T) alteration is located in exon 13 (coding exon 12) of the GRIN2B gene. This alteration results from a G to A substitution at nucleotide position 2761, causing the alanine (A) at amino acid position 921 to be replaced by a threonine (T). Based on data from gnomAD, the A allele has an overall frequency of <0.001% (1/251452) total alleles studied. The highest observed frequency was 0.005% (1/18394) of East Asian alleles. Based on insufficient or conflicting evidence, the clinical significance of this alteration remains unclear.

Labcorp Genetics (formerly Invitae), Labcorp
Classification: Uncertain significance for Developmental and epileptic encephalopathy, 27; Intellectual developmental disorder, autosomal dominant 6, with or without seizures. Last evaluated: 2022-11-29. Review status: criteria provided, single submitter. Criteria: Invitae Variant Classification Sherloc (09022015). Collection method: clinical testing. Allele origin: germline.
Comment: In summary, the available evidence is currently insufficient to determine the role of this variant in disease. Therefore, it has been classified as a Variant of Uncertain Significance. Advanced modeling of protein sequence and biophysical properties (such as structural, functional, and spatial information, amino acid conservation, physicochemical variation, residue mobility, and thermodynamic stability) has been performed at Invitae for this missense variant, however the output from this modeling did not meet the statistical confidence thresholds required to predict the impact of this variant on GRIN2B protein function. ClinVar contains an entry for this variant (Variation ID: 1019289). This variant has not been reported in the literature in individuals affected with GRIN2B-related conditions. This variant is present in population databases (no rsID available, gnomAD 0.006%). This sequence change replaces alanine, which is neutral and non-polar, with threonine, which is neutral and polar, at codon 921 of the GRIN2B protein (p.Ala921Thr).

NM_000834.5(GRIN2B):c.2761G>A (p.Ala921Thr)

Gene: GRIN2B (glutamate ionotropic receptor NMDA type subunit 2B; minus strand). Cytogenetic location: 12p13.1.
Variant type: single nucleotide variant.
Coding change: c.2761G>A on transcript NM_000834.5 (MANE Select); coding-DNA position 2761, G replaced by A.
Protein change: p.Ala921Thr; replaces alanine 921 with threonine.
Molecular consequence: missense variant.
Genome position (GRCh38, 1-based): chr12:13,564,477, C>T on the plus strand (G>A on the coding strand, the complement: GRIN2B is on the minus strand). VCF-style: chr12-13564477-C-T. GRCh37 (hg19) VCF-style: chr12-13717411-C-T.
Other names: c.2761G>A (NM_000834.3); short protein forms A921T.
Identifiers: ClinVar variation 1019289 (VCV001019289.8), dbSNP rs1313881938, ClinGen allele CA383993696.